The following is an entry in ClinVar:

NM_001291867.2(NHS):c.779C>T (p.Ala260Val)

Gene: NHS (NHS actin remodeling regulator; plus strand). Cytogenetic location: Xp22.13.
Variant type: single nucleotide variant.
Coding change: c.779C>T on transcript NM_001291867.2 (MANE Select); coding-DNA position 779, C replaced by T.
Protein change: p.Ala260Val; replaces alanine 260 with valine.
Molecular consequence: missense variant.
Genome position (GRCh38, 1-based): chrX:17,692,395, C>T. VCF-style: chrX-17692395-C-T. GRCh37 (hg19) VCF-style: chrX-17710515-C-T.
Other names: c.248C>T, p.Ala83Val (NM_001136024.4, NM_001291868.2); c.779C>T, p.Ala260Val (NM_198270.4); short protein forms A260V, A83V.
Identifiers: ClinVar variation 1010610 (VCV001010610.10), dbSNP rs1254733025, ClinGen allele CA412327099.
Genomic context (GRCh38, chrX:17,692,395, plus strand): 5'-AACACCGGAGCCGGAGCGATCGCCGAGAGCAAAGAGCAGCTGCCCCCCTTTCCATTGCAG[C>T]TCCTCCACTGCCAGCCTACCCTCCAGCTCACAGCCAGAGGAGGCGTGAGTTTAAGGACCG-3'
Protein context (NP_001278796.1, residues 250-270): QRAAAPLSIA[Ala260Val]PPLPAYPPAH

ClinVar aggregate classification (germline): Uncertain significance (1 of 4 stars; one submission).

Conditions:
Nance-Horan syndrome (NHS). Identifiers: Orphanet 627, MedGen C0796085, MONDO:0010545, OMIM 302350.

Allele frequency attached by ClinVar (database versions not stated): TOPMed below 0.00001.

Submission:

Labcorp Genetics (formerly Invitae), Labcorp
Classification: Uncertain significance for Nance-Horan syndrome. Last evaluated: 2022-02-05. Review status: criteria provided, single submitter. Criteria: Invitae Variant Classification Sherloc (09022015). Collection method: clinical testing. Allele origin: germline.
Comment: ClinVar contains an entry for this variant (Variation ID: 1010610). This variant has not been reported in the literature in individuals affected with NHS-related conditions. This variant is not present in population databases (gnomAD no frequency). This sequence change replaces alanine, which is neutral and non-polar, with valine, which is neutral and non-polar, at codon 260 of the NHS protein (p.Ala260Val). Algorithms developed to predict the effect of missense changes on protein structure and function output the following: SIFT: "Deleterious"; PolyPhen-2: "Benign"; Align-GVGD: "Class C55". The valine amino acid residue is found in multiple mammalian species, which suggests that this missense change does not adversely affect protein function. In summary, the available evidence is currently insufficient to determine the role of this variant in disease. Therefore, it has been classified as a Variant of Uncertain Significance.